The following is an entry in ClinVar:

ClinVar aggregate classification (germline): Uncertain significance (1 of 4 stars; one submission).

Conditions:
Inborn genetic diseases. Identifiers: MedGen C0950123, MeSH D030342.

Submission:

Ambry Genetics
Classification: Uncertain significance for Inborn genetic diseases. Last evaluated: 2025-05-22. Review status: criteria provided, single submitter. Criteria: Ambry Variant Classification Scheme 2023. Collection method: clinical testing. Allele origin: germline.
Comment: The p.A1370D variant (also known as c.4109C>A), located in coding exon 41 of the FANCA gene, results from a C to A substitution at nucleotide position 4109. The alanine at codon 1370 is replaced by aspartic acid, an amino acid with dissimilar properties. This amino acid position is conserved. In addition, the in silico prediction for this alteration is inconclusive. Based on the available evidence, the clinical significance of this variant remains unclear.

NM_000135.4(FANCA):c.4109C>A (p.Ala1370Asp)

Genes: FANCA (FA complementation group A; minus strand), ZNF276 (zinc finger protein 276; plus strand). Cytogenetic location: 16q24.3.
Variant type: single nucleotide variant.
Coding change: c.4109C>A on transcript NM_000135.4 (MANE Select); coding-DNA position 4109, C replaced by A.
Protein change: p.Ala1370Asp; replaces alanine 1370 with aspartic acid.
Molecular consequence: missense variant. On other transcripts: 3 prime UTR variant (2), non-coding transcript variant (4).
Genome position (GRCh38, 1-based): chr16:89,739,191, G>T on the plus strand (C>A on the coding strand, the complement: FANCA is on the minus strand). VCF-style: chr16-89739191-G-T. GRCh37 (hg19) VCF-style: chr16-89805599-G-T.
Other names: c.4109C>A, p.Ala1370Asp (NM_001286167.3); c.*945G>T (NM_001113525.2, NM_152287.4); short protein forms A1370D.
Identifiers: ClinVar variation 4022299 (VCV004022299.1).